The following is an entry in ClinVar:

NM_004329.3(BMPR1A):c.1473+2T>C

Gene: BMPR1A (bone morphogenetic protein receptor type 1A; plus strand). Cytogenetic location: 10q23.2.
Variant type: single nucleotide variant.
Coding change: c.1473+2T>C on transcript NM_004329.3 (MANE Select); the canonical splice donor site of the intron after coding-DNA position 1473, T replaced by C.
Molecular consequence: splice donor variant.
Genome position (GRCh38, 1-based): chr10:86,923,508, T>C. VCF-style: chr10-86923508-T-C. GRCh37 (hg19) VCF-style: chr10-88683265-T-C.
Other names: c.1473+2T>C (NM_001406562.1, NM_001406568.1, NM_001406567.1 and 19 more transcripts); c.1389+2T>C (NM_001406584.1, NM_001406588.1, NM_001406587.1 and 2 more transcripts); c.1521+2T>C (NM_001406560.1); c.1548+2T>C (NM_001406559.1); c.1467+2T>C (NM_001406583.1); c.1131+2T>C (NM_001406589.1).
Identifiers: ClinVar variation 1018119 (VCV001018119.7), dbSNP rs1843697382, ClinGen allele CA377463286.
Genomic context (GRCh38, chr10:86,923,508, plus strand): 5'-AGGTTGTGTGTGTCAAACGTTTGCGGCCAATTGTGTCTAATCGGTGGAACAGTGATGAAG[T>C]GAGTGGAACTCAGTCCCCTGAAGAAGTGATTCGTAAATGCCACCAAATATATTCTCTGCT-3'

ClinVar aggregate classification (germline): Pathogenic (1 of 4 stars; one submission).

Conditions:
Juvenile polyposis syndrome (JPS). Identifiers: Orphanet 2929, MedGen C0345893, MONDO:0017380, OMIM 174900.

Submission:

Labcorp Genetics (formerly Invitae), Labcorp
Classification: Pathogenic for Juvenile polyposis syndrome. Last evaluated: 2023-07-14. Review status: criteria provided, single submitter. Criteria: Invitae Variant Classification Sherloc (09022015). Collection method: clinical testing. Allele origin: germline.
Comment: For these reasons, this variant has been classified as Pathogenic. This variant disrupts a region of the BMPR1A protein in which other variant(s) (p.Trp504*) have been determined to be pathogenic (Invitae). This suggests that this is a clinically significant region of the protein, and that variants that disrupt it are likely to be disease-causing. This sequence change affects a donor splice site in intron 12 of the BMPR1A gene. While this variant is not anticipated to result in nonsense mediated decay, it likely alters RNA splicing and results in a disrupted protein product. This variant is not present in population databases (gnomAD no frequency). This variant has not been reported in the literature in individuals affected with BMPR1A-related conditions. ClinVar contains an entry for this variant (Variation ID: 1018119). Variants that disrupt the consensus splice site are a relatively common cause of aberrant splicing (PMID: 17576681, 9536098). Algorithms developed to predict the effect of sequence changes on RNA splicing suggest that this variant may disrupt the consensus splice site.

Literature cited by the submitters: PubMed 17576681; PubMed 9536098.